The following is an entry in ClinVar:

NM_022336.4(EDAR):c.802A>T (p.Ser268Cys)

Genes: EDAR (ectodysplasin A receptor; minus strand), RANBP2 (RAN binding protein 2; plus strand). Cytogenetic location: 2q13.
Variant type: single nucleotide variant.
Coding change: c.802A>T on transcript NM_022336.4 (MANE Select); coding-DNA position 802, A replaced by T.
Protein change: p.Ser268Cys; replaces serine 268 with cysteine.
Molecular consequence: missense variant.
Genome position (GRCh38, 1-based): chr2:108,910,461, T>A on the plus strand (A>T on the coding strand, the complement: EDAR is on the minus strand). VCF-style: chr2-108910461-T-A. GRCh37 (hg19) VCF-style: chr2-109526917-T-A.
Other names: short protein forms S268C.
Identifiers: ClinVar variation 862820 (VCV000862820.13), dbSNP rs770872155, ClinGen allele CA1824936.
Genomic context (GRCh38, chr2:108,910,461, plus strand): 5'-TCCCTGCTCAGGATCCACAGGACCCCAGCTTCAGCTTGGTGCTGGGGGCTTCCACATACC[T>A]CTTGGTGGGCTTTGCTGGAGTTGCTGTCAGCTTCTCAAATTCATCCTTCTCGGAGAACAT-3'
Protein context (NP_071731.1, residues 258-278): LTATPAKPTK[Ser268Cys]ENDASSENEQ

ClinVar aggregate classification (germline): Uncertain significance. Review status: criteria provided, multiple submitters, no conflicts (2 of 4 stars). 3 submissions from 3 submitters: Uncertain significance (3). Last evaluated 2024-01-29.

Conditions:
Hypohidrotic ectodermal dysplasia (HED). Identifiers: Orphanet 238468, MedGen C5848103, MONDO:0016535, HP:0007607.
Inborn genetic diseases. Identifiers: MedGen C0950123, MeSH D030342.
Ectodermal dysplasia 10A, hypohidrotic/hair/nail type, autosomal dominant (ECTD10A). Also called: Ectodermal Dysplasia 3, Anhidrotic. Identifiers: Orphanet 1810, Orphanet 238468, MedGen C3888065, MONDO:0007509, OMIM 129490.
Autosomal recessive hypohidrotic ectodermal dysplasia syndrome. Also called: Autosomal recessive hypohidrotic ectodermal dysplasia. Identifiers: Orphanet 248, MedGen C0406702, MONDO:0016619.

Allele frequency attached by ClinVar (database versions not stated): gnomAD exomes 0.00001; TOPMed 0.00003; gnomAD 0.00002; ExAC 0.00001.
gnomAD v4.1: 24 of 1,613,074 alleles (0.0015%); highest among the groups gnomAD compares: Non-Finnish European, 0.0019%; no homozygotes.

Submissions (3):

Ambry Genetics
Classification: Uncertain significance for Inborn genetic diseases. Last evaluated: 2024-01-29. Review status: criteria provided, single submitter. Criteria: Ambry Variant Classification Scheme 2023. Collection method: clinical testing. Allele origin: germline.

Labcorp Genetics (formerly Invitae), Labcorp
Classification: Uncertain significance for Ectodermal dysplasia 10A, hypohidrotic/hair/nail type, autosomal dominant; Autosomal recessive hypohidrotic ectodermal dysplasia syndrome. Last evaluated: 2021-08-26. Review status: criteria provided, single submitter. Criteria: Invitae Variant Classification Sherloc (09022015). Collection method: clinical testing. Allele origin: germline.
Comment: This sequence change replaces serine with cysteine at codon 268 of the EDAR protein (p.Ser268Cys). The serine residue is highly conserved and there is a moderate physicochemical difference between serine and cysteine. This variant is present in population databases (rs770872155, ExAC 0.002%). This variant has not been reported in the literature in individuals affected with EDAR-related conditions. Algorithms developed to predict the effect of missense changes on protein structure and function (SIFT, PolyPhen-2, Align-GVGD) all suggest that this variant is likely to be disruptive. Algorithms developed to predict the effect of sequence changes on RNA splicing suggest that this variant may disrupt the consensus splice site. In summary, the available evidence is currently insufficient to determine the role of this variant in disease. Therefore, it has been classified as a Variant of Uncertain Significance.

Illumina Laboratory Services, Illumina
Classification: Uncertain significance for Hypohidrotic ectodermal dysplasia. Last evaluated: 2018-03-23. Review status: criteria provided, single submitter. Criteria: ICSL Variant Classification Criteria 13 December 2019. Collection method: clinical testing. Allele origin: germline.